The following is an entry in ClinVar:

NM_000543.5(SMPD1):c.415C>T (p.Leu139Phe)

Gene: SMPD1 (sphingomyelin phosphodiesterase 1; plus strand). Cytogenetic location: 11p15.4.
Variant type: single nucleotide variant.
Coding change: c.415C>T on transcript NM_000543.5 (MANE Select); coding-DNA position 415, C replaced by T.
Protein change: p.Leu139Phe; replaces leucine 139 with phenylalanine.
Molecular consequence: missense variant. On other transcripts: 5 prime UTR variant (1), non-coding transcript variant (2).
Genome position (GRCh38, 1-based): chr11:6,391,480, C>T. VCF-style: chr11-6391480-C-T. GRCh37 (hg19) VCF-style: chr11-6412710-C-T.
Other names: c.412C>T, p.Leu138Phe (NM_001007593.3); c.415C>T, p.Leu139Phe (NM_001318087.2, NM_001365135.2); c.-547C>T (NM_001318088.2); short protein forms L139F, L138F.
Identifiers: ClinVar variation 4782477 (VCV004782477.1).
Genomic context (GRCh38, chr11:6,391,480, plus strand): 5'-ATCAAGCTGTGCAATCTGCTGAAGATAGCACCACCTGCCGTGTGCCAATCCATTGTCCAC[C>T]TCTTTGAGGATGACATGGTGGAGGTGTGGAGACGCTCAGTGCTGAGCCCATCTGAGGCCT-3'
Protein context (NP_000534.3, residues 129-149): PPAVCQSIVH[Leu139Phe]FEDDMVEVWR

ClinVar aggregate classification (germline): Uncertain significance (1 of 4 stars; one submission).

Conditions:
Niemann-Pick disease, type B. Also called: Chronic Visceral ASMD (Niemann-Pick Disease Type B; NPD-B). Identifiers: Orphanet 77293, MedGen C0268243, MONDO:0011871, OMIM 607616. Disease mechanism: loss of function.
Niemann-Pick disease, type A. Also called: Infantile Neurovisceral ASMD (Niemann-Pick Disease Type A; NPD-A); SPHINGOMYELIN LIPIDOSIS; SPHINGOMYELINASE DEFICIENCY. Identifiers: Orphanet 77292, MedGen C0268242, MONDO:0009756, OMIM 257200. Disease mechanism: loss of function.

Submission:

Labcorp Genetics (formerly Invitae), Labcorp
Classification: Uncertain significance for Niemann-Pick disease, type B; Niemann-Pick disease, type A. Last evaluated: 2025-09-25. Review status: criteria provided, single submitter. Criteria: Invitae Variant Classification Sherloc (09022015). Collection method: clinical testing. Allele origin: germline.
Comment: This sequence change replaces leucine, which is neutral and non-polar, with phenylalanine, which is neutral and non-polar, at codon 139 of the SMPD1 protein (p.Leu139Phe). This variant is not present in population databases (gnomAD no frequency). This variant has not been reported in the literature in individuals affected with SMPD1-related conditions. Invitae Evidence Modeling of protein sequence and biophysical properties (such as structural, functional, and spatial information, amino acid conservation, physicochemical variation, residue mobility, and thermodynamic stability) has been performed for this missense variant. However, the output from this modeling did not meet the statistical confidence thresholds required to predict the impact of this variant on SMPD1 protein function. This variant disrupts the p.Leu139 amino acid residue in SMPD1. Other variant(s) that disrupt this residue have been determined to be pathogenic (PMID: 12369017, 34554397). This suggests that this residue is clinically significant, and that variants that disrupt this residue are likely to be disease-causing. In summary, the available evidence is currently insufficient to determine the role of this variant in disease. Therefore, it has been classified as a Variant of Uncertain Significance.

Literature cited by the submitters: PubMed 12369017; PubMed 34554397.